The following is an entry in ClinVar:

NM_005677.4(COLQ):c.58A>G (p.Ile20Val)

Gene: COLQ (collagen like tail subunit of asymmetric acetylcholinesterase; minus strand). Cytogenetic location: 3p25.1.
Variant type: single nucleotide variant.
Coding change: c.58A>G on transcript NM_005677.4 (MANE Select); coding-DNA position 58, A replaced by G.
Protein change: p.Ile20Val; replaces isoleucine 20 with valine.
Molecular consequence: missense variant.
Genome position (GRCh38, 1-based): chr3:15,521,568, T>C on the plus strand (A>G on the coding strand, the complement: COLQ is on the minus strand). VCF-style: chr3-15521568-T-C. GRCh37 (hg19) VCF-style: chr3-15563075-T-C.
Other names: c.58A>G, p.Ile20Val (NM_080539.4); short protein forms I20V.
Identifiers: ClinVar variation 1435799 (VCV001435799.5), dbSNP rs909968550, ClinGen allele CA70616907.
Genomic context (GRCh38, chr3:15,521,568, plus strand): 5'-GCCATCATTTACCTGCTGAGATTGGAAGAACGCTGTTGATGAAAGTCGGCTGAGACACGA[T>C]AGAGAGGAAGAAAAGCTGAAGATAAATTCCCAAAGTCATTGGATTCAGGACAACCATGCT-3'
Protein context (NP_005668.2, residues 10-30): GIYLQLFFLS[Ile20Val]VSQPTFINSV

ClinVar aggregate classification (germline): Uncertain significance (1 of 4 stars; one submission).

Conditions:
Congenital myasthenic syndrome 5. Identifiers: Orphanet 590, MedGen C1864233, MONDO:0011281, OMIM 603034.

gnomAD v4.1: 5 of 1,614,156 alleles (0.00031%); highest among the groups gnomAD compares: South Asian, 0.0011%; no homozygotes.

Submission:

Labcorp Genetics (formerly Invitae), Labcorp
Classification: Uncertain significance for Congenital myasthenic syndrome 5. Last evaluated: 2024-11-15. Review status: criteria provided, single submitter. Criteria: Invitae Variant Classification Sherloc (09022015). Collection method: clinical testing. Allele origin: germline.
Comment: This sequence change replaces isoleucine, which is neutral and non-polar, with valine, which is neutral and non-polar, at codon 20 of the COLQ protein (p.Ile20Val). This variant is not present in population databases (gnomAD no frequency). This variant has not been reported in the literature in individuals affected with COLQ-related conditions. ClinVar contains an entry for this variant (Variation ID: 1435799). An algorithm developed to predict the effect of missense changes on protein structure and function outputs the following: PolyPhen-2: "Benign". The valine amino acid residue is found in multiple mammalian species, which suggests that this missense change does not adversely affect protein function. In summary, the available evidence is currently insufficient to determine the role of this variant in disease. Therefore, it has been classified as a Variant of Uncertain Significance.